The following is an entry in ClinVar:

NM_001025603.2(RFX5):c.514A>G (p.Met172Val)

Gene: RFX5 (regulatory factor X5; minus strand). Cytogenetic location: 1q21.3.
Variant type: single nucleotide variant.
Coding change: c.514A>G on transcript NM_001025603.2 (MANE Select); coding-DNA position 514, A replaced by G.
Protein change: p.Met172Val; replaces methionine 172 with valine.
Molecular consequence: missense variant.
Genome position (GRCh38, 1-based): chr1:151,344,238, T>C on the plus strand (A>G on the coding strand, the complement: RFX5 is on the minus strand). VCF-style: chr1-151344238-T-C. GRCh37 (hg19) VCF-style: chr1-151316714-T-C.
Other names: c.514A>G, p.Met172Val (NM_000449.4, NM_001379412.1, NM_001379413.1 and 5 more transcripts); c.394A>G, p.Met132Val (NM_001379419.1, NM_001379420.1); short protein forms M172V, M132V.
Identifiers: ClinVar variation 846702 (VCV000846702.10), dbSNP rs767055616, ClinGen allele CA1089810.
Genomic context (GRCh38, chr1:151,344,238, plus strand): 5'-AAGGTGATTTGGTACTTACACTCTCAGAACCCTTTAGGTCAAGTCCAGGCAGGGGTGGCA[T>C]AGACACCAAGGTCTTCCTCCTTATGCCACTGTAGCAATATCTGATGCAAGTTAAAGAGCA-3'
Protein context (NP_001020774.1, residues 162-182): SGIRRKTLVS[Met172Val]PPLPGLDLKG

ClinVar aggregate classification (germline): Uncertain significance. Review status: criteria provided, multiple submitters, no conflicts (2 of 4 stars). 3 submissions from 3 submitters: Uncertain significance (3). Last evaluated 2025-04-03.

Conditions:
MHC class II deficiency. Also called: Bare lymphocyte syndrome 2; BLS, TYPE II. Identifiers: Orphanet 572, MedGen C5447452, MONDO:0008855.

Allele frequency attached by ClinVar (database versions not stated): ExAC 0.00002; gnomAD exomes 0.00002; TOPMed 0.00004; gnomAD 0.00005.

Submissions (3):

Ambry Genetics
Classification: Uncertain significance. Last evaluated: 2025-04-03. Review status: criteria provided, single submitter. Criteria: Ambry Variant Classification Scheme 2023. Collection method: clinical testing. Allele origin: germline.

Labcorp Genetics (formerly Invitae), Labcorp
Classification: Uncertain significance for MHC class II deficiency. Last evaluated: 2024-11-05. Review status: criteria provided, single submitter. Criteria: Invitae Variant Classification Sherloc (09022015). Collection method: clinical testing. Allele origin: germline.
Comment: This sequence change replaces methionine, which is neutral and non-polar, with valine, which is neutral and non-polar, at codon 172 of the RFX5 protein (p.Met172Val). This variant is present in population databases (rs767055616, gnomAD 0.004%). This variant has not been reported in the literature in individuals affected with RFX5-related conditions. ClinVar contains an entry for this variant (Variation ID: 846702). An algorithm developed to predict the effect of missense changes on protein structure and function (PolyPhen-2) suggests that this variant is likely to be disruptive. In summary, the available evidence is currently insufficient to determine the role of this variant in disease. Therefore, it has been classified as a Variant of Uncertain Significance.

Blueprint Genetics
Classification: Uncertain significance. Last evaluated: 2022-08-09. Review status: criteria provided, single submitter. Criteria: ACMG Guidelines, 2015. Collection method: clinical testing. Allele origin: germline.